The following is an entry in ClinVar:

NM_022132.5(MCCC2):c.1488+2T>A

Gene: MCCC2 (methylcrotonyl-CoA carboxylase subunit 2; plus strand). Cytogenetic location: 5q13.2.
Variant type: single nucleotide variant.
Coding change: c.1488+2T>A on transcript NM_022132.5 (MANE Select); the canonical splice donor site of the intron after coding-DNA position 1488, T replaced by A.
Molecular consequence: splice donor variant.
Genome position (GRCh38, 1-based): chr5:71,650,185, T>A. VCF-style: chr5-71650185-T-A. GRCh37 (hg19) VCF-style: chr5-70946012-T-A.
Other names: c.1374+2T>A (NM_001363147.1); c.1488+2T>A (NM_022132.4).
Identifiers: ClinVar variation 3241897 (VCV003241897.4), dbSNP rs1747397763.
Genomic context (GRCh38, chr5:71,650,185, plus strand): 5'-AGGCAGCCAATGTGTTGGCCACGATAACAAAGGACCAAAGAGCCCGGGAAGGAAAGCAGG[T>A]CGGTGTCGTTTTCTCTTGTTTCTCTCTGGTTTTGCCTCTCACCATAAACACCCTGGAGCC-3'

ClinVar aggregate classification (germline): Likely pathogenic. Review status: criteria provided, multiple submitters, no conflicts (2 of 4 stars). 3 submissions from 3 submitters: Likely pathogenic (3). Last evaluated 2025-11-12.

Conditions:
3-methylcrotonyl-CoA carboxylase 2 deficiency. Also called: METHYLCROTONYLGLYCINURIA, TYPE II; 3 alpha methylcrotonyl-CoA carboxylase 2 deficiency; 3 alpha methylcrotonylglycinuria 2; MCC 2 deficiency; Methylcrotonylglycinuria type 2. Identifiers: Orphanet 6, MedGen C1859499, MONDO:0008862, OMIM 210210.

Allele frequency attached by ClinVar (database versions not stated): gnomAD exomes below 0.00001; gnomAD 0.00001; TOPMed 0.00001.
gnomAD v4.1: 6 of 1,613,384 alleles (0.00037%); highest among the groups gnomAD compares: African/African-American, 0.0027%; no homozygotes.

Submissions (3):

Natera, Inc.
Classification: Likely pathogenic for 3-methylcrotonyl-CoA carboxylase 2 deficiency. Last evaluated: 2025-11-12. Review status: criteria provided, single submitter. Criteria: Natera Variant Classification Schema (03/2026). Collection method: clinical testing. Allele origin: germline.
Comment: The c.1488+2T>A variant in MCCC2 is a canonical splice donor site variant predicted to affect pre-mRNA splicing, which may result in an abnormal transcript and altered protein product. This variant is expected to result in nonsense mediated decay, truncation, or a dysfunctional protein product. This variant is rare in the general population with a frequency below the threshold expected for the associated phenotype(s). Given the available evidence, this variant is classified as Likely Pathogenic.

Baylor Genetics
Classification: Likely pathogenic for 3-methylcrotonyl-CoA carboxylase 2 deficiency. Last evaluated: 2024-03-22. Review status: criteria provided, single submitter. Criteria: ACMG Guidelines, 2015. Collection method: clinical testing. Allele origin: unknown.

Labcorp Genetics (formerly Invitae), Labcorp
Classification: Likely pathogenic for 3-methylcrotonyl-CoA carboxylase 2 deficiency. Last evaluated: 2024-03-02. Review status: criteria provided, single submitter. Criteria: Invitae Variant Classification Sherloc (09022015). Collection method: clinical testing. Allele origin: germline.
Comment: This sequence change affects a donor splice site in intron 15 of the MCCC2 gene. It is expected to disrupt RNA splicing. Variants that disrupt the donor or acceptor splice site typically lead to a loss of protein function (PMID: 16199547), and loss-of-function variants in MCCC2 are known to be pathogenic (PMID: 11181649, 22642865). This variant is not present in population databases (gnomAD no frequency). This variant has not been reported in the literature in individuals affected with MCCC2-related conditions. Algorithms developed to predict the effect of sequence changes on RNA splicing suggest that this variant may disrupt the consensus splice site. In summary, the currently available evidence indicates that the variant is pathogenic, but additional data are needed to prove that conclusively. Therefore, this variant has been classified as Likely Pathogenic.

Literature cited by the submitters: PubMed 16199547 (cited by Labcorp Genetics (formerly Invitae), Labcorp); PubMed 11181649 (cited by Labcorp Genetics (formerly Invitae), Labcorp); PubMed 22642865 (cited by Labcorp Genetics (formerly Invitae), Labcorp).